The following is an entry in ClinVar:

NM_000552.5(VWF):c.962G>C (p.Cys321Ser)

Gene: VWF (von Willebrand factor; minus strand). Cytogenetic location: 12p13.31.
Variant type: single nucleotide variant.
Coding change: c.962G>C on transcript NM_000552.5 (MANE Select); coding-DNA position 962, G replaced by C.
Protein change: p.Cys321Ser; replaces cysteine 321 with serine.
Molecular consequence: missense variant.
Genome position (GRCh38, 1-based): chr12:6,073,654, C>G on the plus strand (G>C on the coding strand, the complement: VWF is on the minus strand). VCF-style: chr12-6073654-C-G. GRCh37 (hg19) VCF-style: chr12-6182820-C-G.
Other names: short protein forms C321S.
Identifiers: ClinVar variation 4848392 (VCV004848392.1).

ClinVar aggregate classification (germline): Uncertain significance (1 of 4 stars; one submission).

Submission:

Women's Health and Genetics/Laboratory Corporation of America, LabCorp
Classification: Uncertain significance. Last evaluated: 2026-04-20. Review status: criteria provided, single submitter. Criteria: LabCorp Variant Classification Summary - May 2015. Collection method: clinical testing. Allele origin: germline.
Comment: Variant summary: VWF c.962G>C (p.Cys321Ser) results in a non-conservative amino acid change in the encoded protein sequence. Algorithms developed to predict the effect of missense changes on protein structure and function all suggest that this variant is likely to be disruptive. The variant was absent in 251440 control chromosomes. The available data on variant occurrences in the general population are insufficient to allow any conclusion about variant significance. To our knowledge, no occurrence of c.962G>C in individuals affected with VWF-related conditions and no experimental evidence demonstrating its impact on protein function have been reported. No submitters have cited clinical-significance assessments for this variant to ClinVar. Based on the evidence outlined above, the variant was classified as uncertain significance.